The following is an entry in ClinVar:

ClinVar aggregate classification (germline): Uncertain significance (1 of 4 stars; one submission).

Conditions:
Hypertrophic cardiomyopathy. Also called: HYPERTROPHIC MYOCARDIOPATHY. Identifiers: Orphanet 217569, MedGen C0007194, MeSH D002312, MONDO:0005045, HP:0001639.

Submission:

Labcorp Genetics (formerly Invitae), Labcorp
Classification: Uncertain significance for Hypertrophic cardiomyopathy. Last evaluated: 2023-11-03. Review status: criteria provided, single submitter. Criteria: Invitae Variant Classification Sherloc (09022015). Collection method: clinical testing. Allele origin: unknown.
Comment: This variant results in a copy number gain of the genomic region encompassing exon(s) 8 of the TNNI3 gene. This region includes the termination codon of the gene. This copy number gain extends beyond the assayed region for this gene and therefore may encompass additional genes. As the precise location of this event is unknown, it may be in tandem or it may be located elsewhere in the genome. This variant has not been reported in the literature in individuals affected with TNNI3-related conditions. In summary, the available evidence is currently insufficient to determine the role of this variant in disease. Therefore, it has been classified as a Variant of Uncertain Significance.

NC_000019.9:g.(?_55644283)_(55663305_?)dup

Genes: TNNI3 (troponin I3, cardiac type; minus strand), TNNT1 (troponin T1, slow skeletal type; minus strand). Cytogenetic location: 19q13.42.
Variant type: Duplication.
Identifiers: ClinVar variation 3248366 (VCV003248366.1).